The following is an entry in ClinVar:

NM_015650.4(TRAF3IP1):c.369T>A (p.Asp123Glu)

Gene: TRAF3IP1 (TRAF3 interacting protein 1; plus strand). Cytogenetic location: 2q37.3.
Variant type: single nucleotide variant.
Coding change: c.369T>A on transcript NM_015650.4 (MANE Select); coding-DNA position 369, T replaced by A.
Protein change: p.Asp123Glu; replaces aspartic acid 123 with glutamic acid.
Molecular consequence: missense variant.
Genome position (GRCh38, 1-based): chr2:238,328,700, T>A. VCF-style: chr2-238328700-T-A. GRCh37 (hg19) VCF-style: chr2-239237341-T-A.
Other names: c.369T>A, p.Asp123Glu (NM_001139490.1); short protein forms D123E.
Identifiers: ClinVar variation 1497552 (VCV001497552.5), dbSNP rs1160992349, ClinGen allele CA351243581.
Genomic context (GRCh38, chr2:238,328,700, plus strand): 5'-ATCTCATTTCACCTAACACCTCATTTCCTTCCATTTGGACGACAAGCTCTCTAGTGACGA[T>A]GCGGTGCGGAGGGTTTTAGCTGGAGAGAAGGGAGAAGTGAAAGGCCGGGCCTCACTGACC-3'
Protein context (NP_056465.2, residues 113-133): KCCLNKLSSD[Asp123Glu]AVRRVLAGEK

ClinVar aggregate classification (germline): Uncertain significance (1 of 4 stars; one submission).

Submission:

Labcorp Genetics (formerly Invitae), Labcorp
Classification: Uncertain significance. Last evaluated: 2021-08-24. Review status: criteria provided, single submitter. Criteria: Invitae Variant Classification Sherloc (09022015). Collection method: clinical testing. Allele origin: germline.
Comment: This sequence change replaces aspartic acid with glutamic acid at codon 123 of the TRAF3IP1 protein (p.Asp123Glu). The aspartic acid residue is weakly conserved and there is a small physicochemical difference between aspartic acid and glutamic acid. This variant is not present in population databases (ExAC no frequency). This variant has not been reported in the literature in individuals affected with TRAF3IP1-related conditions. Algorithms developed to predict the effect of missense changes on protein structure and function output the following: SIFT: "Tolerated"; PolyPhen-2: "Benign"; Align-GVGD: "Class C0". The glutamic acid amino acid residue is found in multiple mammalian species, which suggests that this missense change does not adversely affect protein function. In summary, the available evidence is currently insufficient to determine the role of this variant in disease. Therefore, it has been classified as a Variant of Uncertain Significance.